The following is an entry in ClinVar:

ClinVar aggregate classification (germline): Likely benign. Review status: criteria provided, single submitter (1 of 4 stars). 2 submissions from 2 submitters: Likely benign (1). 1 of the submissions does not count toward it. Last evaluated 2026-01-02.

Conditions:
MYO5B-related disorder. Also called: MYO5B-related condition.

Allele frequency attached by ClinVar (database versions not stated): TOPMed below 0.00001; gnomAD 0.00006; ExAC 0.00028.
gnomAD v4.1: 188 of 1,610,162 alleles (0.012%); highest among the groups gnomAD compares: South Asian, 0.2%; 2 homozygotes.

Submissions (2):

Labcorp Genetics (formerly Invitae), Labcorp
Classification: Likely benign. Last evaluated: 2026-01-02. Review status: criteria provided, single submitter. Criteria: Invitae Variant Classification Sherloc (09022015). Collection method: clinical testing. Allele origin: germline.

PreventionGenetics, part of Exact Sciences
Classification: Likely benign for MYO5B-related condition. Last evaluated: 2022-03-23. Review status: no assertion criteria provided. Collection method: clinical testing. Allele origin: germline. Not counted in ClinVar's aggregate classification.
Comment: This variant is classified as likely benign based on ACMG/AMP sequence variant interpretation guidelines (Richards et al. 2015 PMID: 25741868, with internal and published modifications).

NM_001080467.3(MYO5B):c.2675G>A (p.Cys892Tyr)

Gene: MYO5B (myosin VB; minus strand). Cytogenetic location: 18q21.1.
Variant type: single nucleotide variant.
Coding change: c.2675G>A on transcript NM_001080467.3 (MANE Select); coding-DNA position 2675, G replaced by A.
Protein change: p.Cys892Tyr; replaces cysteine 892 with tyrosine.
Molecular consequence: missense variant.
Genome position (GRCh38, 1-based): chr18:49,902,730, C>T on the plus strand (G>A on the coding strand, the complement: MYO5B is on the minus strand). VCF-style: chr18-49902730-C-T. GRCh37 (hg19) VCF-style: chr18-47429100-C-T.
Other names: c.2675G>A (NM_001080467.2); short protein forms C892Y.
Identifiers: ClinVar variation 2146605 (VCV002146605.6), dbSNP rs372823131, ClinGen allele CA8960975.